The following is an entry in ClinVar:

ClinVar aggregate classification (germline): Conflicting classifications of pathogenicity. Review status: criteria provided, conflicting classifications (1 of 4 stars). 9 submissions from 9 submitters: Uncertain significance (5); Likely benign (3). 1 of the submissions does not count toward it. Last evaluated 2026-01-20.

Conditions:
Fraser syndrome 2 (FRASRS2). Identifiers: MedGen C4540036, MONDO:0054738, OMIM 617666.
Inborn genetic diseases. Identifiers: MedGen C0950123, MeSH D030342.
FREM2-related disorder. Also called: FREM2-related condition.

Allele frequency attached by ClinVar (database versions not stated): gnomAD exomes 0.00017 and 0.00025; ExAC 0.00031; gnomAD 0.00080 and 0.00084; TOPMed 0.00080; ESP Exome Variant Server 0.00108; 1000 Genomes Project 0.00120; 1000 Genomes Project 30x 0.00141.
gnomAD v4.1: 363 of 1,612,474 alleles (0.023%); highest among the groups gnomAD compares: African/African-American, 0.26%; 2 homozygotes.

Submissions (9):

Labcorp Genetics (formerly Invitae), Labcorp
Classification: Likely benign. Last evaluated: 2026-01-20. Review status: criteria provided, single submitter. Criteria: Invitae Variant Classification Sherloc (09022015). Collection method: clinical testing. Allele origin: germline.

Women's Health and Genetics/Laboratory Corporation of America, LabCorp
Classification: Likely benign. Last evaluated: 2025-12-03. Review status: criteria provided, single submitter. Criteria: LabCorp Variant Classification Summary - May 2015. Collection method: clinical testing. Allele origin: germline.
Comment: Variant summary: FREM2 c.1580C>T (p.Ser527Leu) results in a non-conservative amino acid change in the encoded protein sequence. Algorithms developed to predict the effect of missense changes on protein structure and function are either unavailable or do not agree on the potential impact of this missense change. The variant allele was found at a frequency of 0.00025 in 247194 control chromosomes, predominantly at a frequency of 0.0027 within the African or African-American subpopulation in the gnomAD database. The observed variant frequency within African or African-American control individuals in the gnomAD database exceeds the estimated maximal expected allele frequency for disease-causing variants in FREM2. To our knowledge, no occurrence of c.1580C>T in individuals affected with FREM2-related conditions and no experimental evidence demonstrating its impact on protein function have been reported. ClinVar contains an entry for this variant (Variation ID: 193530). Based on the evidence outlined above, the variant was classified as likely benign.

Mayo Clinic Laboratories, Mayo Clinic
Classification: Likely benign. Last evaluated: 2025-03-03. Review status: criteria provided, single submitter. Criteria: ACMG Guidelines, 2015. Collection method: clinical testing. Allele origin: germline. Observed: 1 variant allele.
Comment: BS1, BP4_moderate

GeneDx
Classification: Uncertain significance. Last evaluated: 2024-04-27. Review status: criteria provided, single submitter. Criteria: GeneDx Variant Classification Process June 2021. Collection method: clinical testing. Allele origin: germline. Affected: yes.
Comment: In silico analysis supports that this missense variant does not alter protein structure/function; Has not been previously published as pathogenic or benign to our knowledge

Ambry Genetics
Classification: Uncertain significance for Inborn genetic diseases. Last evaluated: 2024-04-23. Review status: criteria provided, single submitter. Criteria: Ambry Variant Classification Scheme 2023. Collection method: clinical testing. Allele origin: germline.

Genetic Services Laboratory, University of Chicago
Classification: Uncertain significance. Last evaluated: 2019-02-18. Review status: criteria provided, single submitter. Criteria: ACMG Guidelines, 2015. Collection method: clinical testing. Allele origin: germline. Affected: no.

Illumina Laboratory Services, Illumina
Classification: Uncertain significance for Fraser syndrome 2. Last evaluated: 2018-01-13. Review status: criteria provided, single submitter. Criteria: ICSL Variant Classification Criteria 13 December 2019. Collection method: clinical testing. Allele origin: germline.

Eurofins Ntd Llc (ga)
Classification: Uncertain significance. Last evaluated: 2015-02-23. Review status: criteria provided, single submitter. Criteria: EGL Classification Definitions 2015. Collection method: clinical testing. Allele origin: germline. Observed: 1 variant allele, 1 heterozygote.

PreventionGenetics, part of Exact Sciences
Classification: Likely benign for FREM2-related condition. Last evaluated: 2023-11-05. Review status: no assertion criteria provided. Collection method: clinical testing. Allele origin: germline. Not counted in ClinVar's aggregate classification.
Comment: This variant is classified as likely benign based on ACMG/AMP sequence variant interpretation guidelines (Richards et al. 2015 PMID: 25741868, with internal and published modifications).

NM_207361.6(FREM2):c.1580C>T (p.Ser527Leu)

Gene: FREM2 (FRAS1 related extracellular matrix 2; plus strand). Cytogenetic location: 13q13.3.
Variant type: single nucleotide variant.
Coding change: c.1580C>T on transcript NM_207361.6 (MANE Select); coding-DNA position 1580, C replaced by T.
Protein change: p.Ser527Leu; replaces serine 527 with leucine.
Molecular consequence: missense variant.
Genome position (GRCh38, 1-based): chr13:38,688,924, C>T. VCF-style: chr13-38688924-C-T. GRCh37 (hg19) VCF-style: chr13-39263061-C-T.
Other names: p.Ser527Leu; short protein forms S527L.
Identifiers: ClinVar variation 193530 (VCV000193530.28), dbSNP rs139804851, ClinGen allele CA239073.